The following is an entry in ClinVar:

ClinVar aggregate classification (germline): Uncertain significance (1 of 4 stars; one submission).

Conditions:
Inborn genetic diseases. Identifiers: MedGen C0950123, MeSH D030342.

gnomAD v4.1: 16 of 1,613,428 alleles (0.00099%); highest among the groups gnomAD compares: East Asian, 0.0022%; no homozygotes.

Submission:

Ambry Genetics
Classification: Uncertain significance for Inborn genetic diseases. Last evaluated: 2026-08-31. Review status: criteria provided, single submitter. Criteria: Ambry Variant Classification Scheme 2023. Collection method: clinical testing. Allele origin: germline.
Comment: The c.488T>C (p.I163T) alteration is located in exon 6 (coding exon 6) of the ATP2A2 gene. This alteration results from a T to C substitution at nucleotide position 488, causing the isoleucine (I) at amino acid position 163 to be replaced by a threonine (T). Based on data from gnomAD, the C allele has an overall frequency of 0.001% (3/251388) total alleles studied. The highest observed frequency was <0.001% (/) of alleles. Based on insufficient or conflicting evidence, the clinical significance of this alteration remains unclear.

NM_170665.4(ATP2A2):c.488T>C (p.Ile163Thr)

Gene: ATP2A2 (ATPase sarcoplasmic/endoplasmic reticulum Ca2+ transporting 2; plus strand). Cytogenetic location: 12q24.11.
Variant type: single nucleotide variant.
Coding change: c.488T>C on transcript NM_170665.4 (MANE Select); coding-DNA position 488, T replaced by C.
Protein change: p.Ile163Thr; replaces isoleucine 163 with threonine.
Molecular consequence: missense variant.
Genome position (GRCh38, 1-based): chr12:110,323,016, T>C. VCF-style: chr12-110323016-T-C. GRCh37 (hg19) VCF-style: chr12-110760821-T-C.
Other names: c.383T>C, p.Ile128Thr (NM_001413013.1); c.488T>C, p.Ile163Thr (NM_001413014.1, NM_001681.4); c.113T>C, p.Ile38Thr (NM_001413015.1); short protein forms I38T, I163T, I128T.
Identifiers: ClinVar variation 5032345 (VCV005032345.1).